The following is an entry in ClinVar:

Conditions:
Long QT syndrome 5 (LQT5). Identifiers: Orphanet 101016, Orphanet 768, MedGen C1867904, MONDO:0013372, OMIM 613695.

Submission:

Roden Lab, Vanderbilt University Medical Center
No classification provided (evidence only). Condition: Long QT syndrome 5. Review status: no classification provided. Collection method: in vitro. Allele origin: not applicable. Functional consequence: Effect on ion channel function.
ClinVar note: "not provided" was previously submitted as the classification for the variant. However, the classification appeared to be based only on an observation of functional data so it was converted to no classification on 2025-07-30.

NM_000219.6(KCNE1):c.332A>G (p.Asn111Ser)

Gene: KCNE1 (potassium voltage-gated channel subfamily E regulatory subunit 1; minus strand). Cytogenetic location: 21q22.12.
Variant type: single nucleotide variant.
Coding change: c.332A>G on transcript NM_000219.6 (MANE Select); coding-DNA position 332, A replaced by G.
Protein change: p.Asn111Ser; replaces asparagine 111 with serine.
Molecular consequence: missense variant.
Genome position (GRCh38, 1-based): chr21:34,449,303, T>C on the plus strand (A>G on the coding strand, the complement: KCNE1 is on the minus strand). VCF-style: chr21-34449303-T-C. GRCh37 (hg19) VCF-style: chr21-35821601-T-C.
Other names: c.332A>G, p.Asn111Ser (NM_001127668.4, NM_001127669.4, NM_001127670.4 and 4 more transcripts); short protein forms N111S.
Identifiers: ClinVar variation 3374664 (VCV003374664.2).